The following is an entry in ClinVar:

NM_020754.4(ARHGAP31):c.362A>G (p.His121Arg)

Gene: ARHGAP31 (Rho GTPase activating protein 31; plus strand). Cytogenetic location: 3q13.33.
Variant type: single nucleotide variant.
Coding change: c.362A>G on transcript NM_020754.4 (MANE Select); coding-DNA position 362, A replaced by G.
Protein change: p.His121Arg; replaces histidine 121 with arginine.
Molecular consequence: missense variant.
Genome position (GRCh38, 1-based): chr3:119,380,917, A>G. VCF-style: chr3-119380917-A-G. GRCh37 (hg19) VCF-style: chr3-119099764-A-G.
Other names: short protein forms H121R.
Identifiers: ClinVar variation 2636332 (VCV002636332.1), dbSNP rs2080391088, ClinGen allele CA354024421.

ClinVar aggregate classification (germline): Uncertain significance (1 of 4 stars; one submission).

Conditions:
ARHGAP31-related disorder. Also called: ARHGAP31-related condition.

Allele frequency attached by ClinVar (database versions not stated): gnomAD exomes below 0.00001; TOPMed below 0.00001; gnomAD 0.00001.
gnomAD v4.1: 5 of 1,614,018 alleles (0.00031%); highest among the groups gnomAD compares: Non-Finnish European, 0.00042%; no homozygotes.

Submission:

PreventionGenetics, part of Exact Sciences
Classification: Uncertain significance for ARHGAP31-related condition. Last evaluated: 2022-08-29. Review status: criteria provided, single submitter. Criteria: ACMG Guidelines, 2015. Collection method: clinical testing. Allele origin: germline.
Comment: The ARHGAP31 c.362A>G variant is predicted to result in the amino acid substitution p.His121Arg. To our knowledge, this variant has not been reported in the literature or in a large population database, indicating this variant is rare. At this time, the clinical significance of this variant is uncertain due to the absence of conclusive functional and genetic evidence.